The following is an entry in ClinVar:

NM_017592.4(MED29):c.195G>T (p.Pro65=)

Genes: MED29 (mediator complex subunit 29; plus strand), LOC130064400 (ATAC-STARR-seq lymphoblastoid active region 14613; plus strand). Cytogenetic location: 19q13.2.
Variant type: single nucleotide variant.
Coding change: c.195G>T on transcript NM_017592.4 (MANE Select); coding-DNA position 195, G replaced by T.
Protein change: p.Pro65=; no amino-acid change (proline 65 retained).
Molecular consequence: synonymous variant. On other transcripts: non-coding transcript variant (1).
Genome position (GRCh38, 1-based): chr19:39,391,617, G>T. VCF-style: chr19-39391617-G-T. GRCh37 (hg19) VCF-style: chr19-39882257-G-T.
Other names: c.195G>T, p.Pro65= (NM_001317770.3).
Identifiers: ClinVar variation 2649832 (VCV002649832.24), dbSNP rs145662630, ClinGen allele CA9428472.

ClinVar aggregate classification (germline): Likely benign (1 of 4 stars; one submission).

Allele frequency attached by ClinVar (database versions not stated): TOPMed 0.00011; gnomAD 0.00029; 1000 Genomes Project 30x 0.00078; 1000 Genomes Project 0.00080.

Submission:

CeGaT Center for Human Genetics Tuebingen
Classification: Likely benign. Last evaluated: 2022-04-01. Review status: criteria provided, single submitter. Criteria: CeGaT Center For Human Genetics Tuebingen Variant Classification Criteria Version 2. Collection method: clinical testing. Allele origin: germline. Affected: yes. Observed: 1 variant allele.
Comment: MED29: BP4, BP7